The following is an entry in ClinVar:

ClinVar aggregate classification (germline): Likely benign. Review status: criteria provided, multiple submitters, no conflicts (2 of 4 stars). 2 submissions from 2 submitters: Likely benign (2). Last evaluated 2018-01-12.

Conditions:
Biotin-responsive basal ganglia disease (BTBGD). Also called: Thiamine Transporter-2 Deficiency; THIAMINE METABOLISM DYSFUNCTION SYNDROME 2 (BIOTIN- AND THIAMINE-RESPONSIVE TYPE); Thiamine metabolism dysfunction syndrome type 2; thiamine-responsive encephalopathy; Thiamine metabolism dysfunction syndrome 2 (biotin- or thiamine-responsive encephalopathy type 2). Identifiers: Orphanet 199348, Orphanet 65284, MedGen C1843807, MONDO:0011841, OMIM 607483.

Allele frequency attached by ClinVar (database versions not stated): 1000 Genomes Project 0.00220; 1000 Genomes Project 30x 0.00265; TOPMed 0.00397; gnomAD exomes 0.00490.
gnomAD v4.1: 1,572 of 313,230 alleles (0.5%); highest among the groups gnomAD compares: Non-Finnish European, 0.7%; 14 homozygotes.

Submissions (2):

Illumina Laboratory Services, Illumina
Classification: Likely benign for Biotin-responsive basal ganglia disease. Last evaluated: 2018-01-12. Review status: criteria provided, single submitter. Criteria: ICSL Variant Classification Criteria 13 December 2019. Collection method: clinical testing. Allele origin: germline.
Comment: This variant was observed in the ICSL laboratory as part of a predisposition screen in an ostensibly healthy population. It had not been previously curated by ICSL or reported in the Human Gene Mutation Database (HGMD: prior to June 1st, 2018), and was therefore a candidate for classification through an automated scoring system. Utilizing variant allele frequency, disease prevalence and penetrance estimates, and inheritance mode, an automated score was calculated to assess if this variant is too frequent to cause the disease. Based on the score and internal cut-off values, a variant classified as likely benign is not then subjected to further curation. The score for this variant resulted in a classification of likely benign for this disease.

Breakthrough Genomics
Classification: Likely benign. Review status: criteria provided, single submitter. Criteria: ACMG Guidelines, 2015. Collection method: not provided. Allele origin: germline. Inheritance: Autosomal recessive inheritance. Affected: yes.

NM_025243.4(SLC19A3):c.*1094C>T

Gene: SLC19A3 (solute carrier family 19 member 3; minus strand). Cytogenetic location: 2q36.3.
Variant type: single nucleotide variant.
Coding change: c.*1094C>T on transcript NM_025243.4 (MANE Select); 1094 bases downstream of the stop codon, C replaced by T.
Molecular consequence: 3 prime UTR variant.
Genome position (GRCh38, 1-based): chr2:227,686,303, G>A on the plus strand (C>T on the coding strand, the complement: SLC19A3 is on the minus strand). VCF-style: chr2-227686303-G-A. GRCh37 (hg19) VCF-style: chr2-228551019-G-A.
Other names: c.*1094C>T (NM_001371411.1, NM_001371412.1, NM_001371413.1 and 1 more transcripts).
Identifiers: ClinVar variation 898213 (VCV000898213.5), dbSNP rs111724178, ClinGen allele CA66654820.